The following is an entry in ClinVar:

NM_006946.4(SPTBN2):c.6655G>C (p.Glu2219Gln)

Gene: SPTBN2 (spectrin beta, non-erythrocytic 2; minus strand). Cytogenetic location: 11q13.2.
Variant type: single nucleotide variant.
Coding change: c.6655G>C on transcript NM_006946.4 (MANE Select); coding-DNA position 6655, G replaced by C.
Protein change: p.Glu2219Gln; replaces glutamic acid 2219 with glutamine.
Molecular consequence: missense variant.
Genome position (GRCh38, 1-based): chr11:66,687,494, C>G on the plus strand (G>C on the coding strand, the complement: SPTBN2 is on the minus strand). VCF-style: chr11-66687494-C-G. GRCh37 (hg19) VCF-style: chr11-66454965-C-G.
Other names: c.6676G>C, p.Glu2226Gln (NM_001411025.1); short protein forms E2226Q, E2219Q.
Identifiers: ClinVar variation 2121781 (VCV002121781.4), dbSNP rs2495759075, ClinGen allele CA381456203.

ClinVar aggregate classification (germline): Uncertain significance (1 of 4 stars; one submission).

Submission:

Labcorp Genetics (formerly Invitae), Labcorp
Classification: Uncertain significance. Last evaluated: 2025-11-24. Review status: criteria provided, single submitter. Criteria: Invitae Variant Classification Sherloc (09022015). Collection method: clinical testing. Allele origin: germline.
Comment: This sequence change replaces glutamic acid, which is acidic and polar, with glutamine, which is neutral and polar, at codon 2219 of the SPTBN2 protein (p.Glu2219Gln). This variant is not present in population databases (gnomAD no frequency). This variant has not been reported in the literature in individuals affected with SPTBN2-related conditions. ClinVar contains an entry for this variant (Variation ID: 2121781). Invitae Evidence Modeling of protein sequence and biophysical properties (such as structural, functional, and spatial information, amino acid conservation, physicochemical variation, residue mobility, and thermodynamic stability) indicates that this missense variant is not expected to disrupt SPTBN2 protein function with a negative predictive value of 95%. In summary, the available evidence is currently insufficient to determine the role of this variant in disease. Therefore, it has been classified as a Variant of Uncertain Significance.